The following is an entry in ClinVar:

NM_015693.4(INTU):c.2449C>G (p.Leu817Val)

Gene: INTU (inturned planar cell polarity protein; plus strand). Cytogenetic location: 4q28.1.
Variant type: single nucleotide variant.
Coding change: c.2449C>G on transcript NM_015693.4 (MANE Select); coding-DNA position 2449, C replaced by G.
Protein change: p.Leu817Val; replaces leucine 817 with valine.
Molecular consequence: missense variant.
Genome position (GRCh38, 1-based): chr4:127,710,992, C>G. VCF-style: chr4-127710992-C-G. GRCh37 (hg19) VCF-style: chr4-128632147-C-G.
Other names: short protein forms L817V.
Identifiers: ClinVar variation 3648046 (VCV003648046.2).
Genomic context (GRCh38, chr4:127,710,992, plus strand): 5'-AACACACTTTTCCACTACGTTGCCTTAGAAACAGTGCAAGGAATCTTTATTACTCCTACC[C>G]TTGAAGAGGTGGCACAGCTAAGTGGCTCTATCCACCCTCAGCTAATAAAGAATTTCCATC-3'
Protein context (NP_056508.2, residues 807-827): TVQGIFITPT[Leu817Val]EEVAQLSGSI

ClinVar aggregate classification (germline): Uncertain significance (1 of 4 stars; one submission).

gnomAD v4.1: 2 of 1,606,876 alleles (0.00012%); highest among the groups gnomAD compares: Non-Finnish European, 0.00017%; no homozygotes.

Submission:

Labcorp Genetics (formerly Invitae), Labcorp
Classification: Uncertain significance. Last evaluated: 2024-08-06. Review status: criteria provided, single submitter. Criteria: Invitae Variant Classification Sherloc (09022015). Collection method: clinical testing. Allele origin: germline.
Comment: This sequence change replaces leucine, which is neutral and non-polar, with valine, which is neutral and non-polar, at codon 817 of the INTU protein (p.Leu817Val). This variant is present in population databases (no rsID available, gnomAD 0.0009%). This variant has not been reported in the literature in individuals affected with INTU-related conditions. Advanced modeling of protein sequence and biophysical properties (such as structural, functional, and spatial information, amino acid conservation, physicochemical variation, residue mobility, and thermodynamic stability) performed at Invitae indicates that this missense variant is not expected to disrupt INTU protein function with a negative predictive value of 80%. In summary, the available evidence is currently insufficient to determine the role of this variant in disease. Therefore, it has been classified as a Variant of Uncertain Significance.